The following is an entry in ClinVar:

ClinVar aggregate classification (germline): Pathogenic. Review status: reviewed by expert panel (3 of 4 stars). 2 submissions from 2 submitters: Pathogenic (1). 1 of the submissions does not count toward it. Last evaluated 2021-05-07.

Conditions:
Glanzmann thrombasthenia 1 (GT1). Also called: BLEEDING DISORDER, PLATELET-TYPE, 2; GP IIb-IIIa COMPLEX DEFICIENCY; GLYCOPROTEIN COMPLEX IIb-IIIa DEFICIENCY; PLATELET FIBRINOGEN RECEPTOR DEFICIENCY. Identifiers: MedGen CN300358, MONDO:0031332, OMIM 273800.
Glanzmann thrombasthenia. Also called: THROMBASTHENIA OF GLANZMANN AND NAEGELI; Glanzmann's thrombasthenia; PLATELET GLYCOPROTEIN IIb-IIIa DEFICIENCY; Thrombasthenia. Identifiers: Orphanet 849, MedGen C0040015, MONDO:0100326.

Submissions (2):

ClinGen Platelet Disorders Variant Curation Expert Panel, ClinGen
Classification: Pathogenic for Glanzmann thrombasthenia. Last evaluated: 2021-05-07. Review status: reviewed by expert panel. Criteria: ClinGen Platelet ACMG Specifications v2. Collection method: curation. Allele origin: germline. Inheritance: Autosomal recessive inheritance.
Comment: The c.409-2_419del variant was first reported in the Palestinian population by PMID: 2014236; haplotype analysis in PMID: 16359514 is consistent with a founder effect. This variant has also been described as c.409-3_418del and HGVS nomenclature is c.409-4_417del. The deletion causes use of a cryptic splice site at position c.425_426 (confirmed in patient mRNA in PMID: 2014236). As such there is an in-frame deletion of 18bp encompassing 6 amino acids (Ala137 through Gln142) in the critical ligand binding beta-propeller domain. This variant is absent from all population databases, including gnomAD. The variant has been identified homozygous in at least 8 patients (PMIDs: 2014236, 16359514). with a phenotype highly specific to GT. Transfection in BHK cells resulted in lack of surface expression of Î±IIbÎ²3 (PMID: 16359514). In summary this variant is classified as Pathogenic for GT. GT-specific criteria applied: PVS1_strong, PS3, PM2_supporting, PM3, PP4_strong.

OMIM
Classification: Pathogenic for GLANZMANN THROMBASTHENIA 1. Last evaluated: 1991-07-12. Review status: no assertion criteria provided. Collection method: literature only. Allele origin: germline. Not counted in ClinVar's aggregate classification.

Literature cited by the submitters: PubMed 16359514 (cited by ClinGen Platelet Disorders Variant Curation Expert Panel, ClinGen); PubMed 1926040 (cited by OMIM).

NM_000419.5(ITGA2B):c.409-2_419del

Genes: ITGA2B (integrin subunit alpha 2b; minus strand), LOC130060983 (ATAC-STARR-seq lymphoblastoid active region 12261; plus strand). Cytogenetic location: 17q21.31.
Variant type: Deletion.
Coding change: c.409-2_419del on transcript NM_000419.5 (MANE Select); the canonical splice acceptor site of the intron before coding-DNA position 409 through coding-DNA position 419, 13 bases deleted (AGGCCTGCGCCCC).
Molecular consequence: splice acceptor variant.
Genome position (GRCh38, 1-based): chr17:44,385,706-44,385,718, GGGGCGCAGGCCT deleted on the plus strand (AGGCCTGCGCCCC on the coding strand, the reverse complement: ITGA2B is on the minus strand); deleting any 13 consecutive bases within chr17:44,385,706-44,385,720 gives the same sequence; the c. name uses the placement nearest the transcript's 3' end. VCF-style (leftmost placement, unchanged base first): chr17-44385705-GGGGGCGCAGGCCT-G. GRCh37 (hg19) VCF-style: chr17-42463073-GGGGGCGCAGGCCT-G.
Identifiers: ClinVar variation 2889 (VCV000002889.3), dbSNP rs879255508, ClinGen allele CA10575471.